The following is an entry in ClinVar:

ClinVar aggregate classification (germline): Uncertain significance. Review status: criteria provided, multiple submitters, no conflicts (2 of 4 stars). 2 submissions from 2 submitters: Uncertain significance (2). Last evaluated 2024-10-08.

Conditions:
Inborn genetic diseases. Identifiers: MedGen C0950123, MeSH D030342.

Allele frequency attached by ClinVar (database versions not stated): gnomAD 0.00001; TOPMed 0.00001.

Submissions (2):

Ambry Genetics
Classification: Uncertain significance for Inborn genetic diseases. Last evaluated: 2024-10-08. Review status: criteria provided, single submitter. Criteria: Ambry Variant Classification Scheme 2023. Collection method: clinical testing. Allele origin: germline.

Labcorp Genetics (formerly Invitae), Labcorp
Classification: Uncertain significance. Last evaluated: 2022-08-05. Review status: criteria provided, single submitter. Criteria: Invitae Variant Classification Sherloc (09022015). Collection method: clinical testing. Allele origin: germline.
Comment: This sequence change replaces serine, which is neutral and polar, with phenylalanine, which is neutral and non-polar, at codon 508 of the SLC9A3 protein (p.Ser508Phe). This variant is not present in population databases (gnomAD no frequency). This variant has not been reported in the literature in individuals affected with SLC9A3-related conditions. Algorithms developed to predict the effect of missense changes on protein structure and function are either unavailable or do not agree on the potential impact of this missense change (SIFT: "Not Available"; PolyPhen-2: "Benign"; Align-GVGD: "Not Available"). In summary, the available evidence is currently insufficient to determine the role of this variant in disease. Therefore, it has been classified as a Variant of Uncertain Significance.

NM_004174.4(SLC9A3):c.1523C>T (p.Ser508Phe)

Genes: SLC9A3 (solute carrier family 9 member A3), SLC9A3-AS1 (SLC9A3 antisense RNA 1; plus strand). Cytogenetic location: 5p15.33.
Variant type: single nucleotide variant.
Coding change: c.1523C>T on transcript NM_004174.4 (MANE Select); coding-DNA position 1523, C replaced by T.
Protein change: p.Ser508Phe; replaces serine 508 with phenylalanine.
Molecular consequence: missense variant. On other transcripts: non-coding transcript variant (1).
Genome position (GRCh38, 1-based): chr5:479,960, G>A on the plus strand (C>T on the coding strand, the complement: SLC9A3 is on the minus strand). VCF-style: chr5-479960-G-A. GRCh37 (hg19) VCF-style: chr5-480075-G-A.
Other names: c.1496C>T, p.Ser499Phe (NM_001284351.3); c.1523C>T (NM_004174.2); short protein forms S508F, S499F.
Identifiers: ClinVar variation 1913228 (VCV001913228.3), dbSNP rs1194714502, ClinGen allele CA359026586.